The following is an entry in ClinVar:

NM_001378778.1(MPDZ):c.5183T>C (p.Leu1728Pro)

Gene: MPDZ (multiple PDZ domain crumbs cell polarity complex component; minus strand). Cytogenetic location: 9p23.
Variant type: single nucleotide variant.
Coding change: c.5183T>C on transcript NM_001378778.1 (MANE Select); coding-DNA position 5183, T replaced by C.
Protein change: p.Leu1728Pro; replaces leucine 1728 with proline.
Molecular consequence: missense variant.
Genome position (GRCh38, 1-based): chr9:13,121,787, A>G on the plus strand (T>C on the coding strand, the complement: MPDZ is on the minus strand). VCF-style: chr9-13121787-A-G. GRCh37 (hg19) VCF-style: chr9-13121786-A-G.
Other names: c.5084T>C, p.Leu1695Pro (NM_001261406.2, NM_001261407.2, NM_001375416.1 and 3 more transcripts); c.5183T>C, p.Leu1728Pro (NM_001330637.2, NM_003829.5); c.5282T>C, p.Leu1761Pro (NM_001375413.1); c.4973T>C, p.Leu1658Pro (NM_001375420.1, NM_001375421.1, NM_001375422.1 and 4 more transcripts); c.4775T>C, p.Leu1592Pro (NM_001375427.1); short protein forms L1695P, L1728P, L1592P, L1761P, L1658P.
Identifiers: ClinVar variation 1498603 (VCV001498603.6), dbSNP rs772792353, ClinGen allele CA4986408.

ClinVar aggregate classification (germline): Uncertain significance. Review status: criteria provided, single submitter (1 of 4 stars). 2 submissions from 2 submitters: Uncertain significance (1). 1 of the submissions does not count toward it. Last evaluated 2021-09-02.

Conditions:
Meniere disease. Also called: Ménière's disease. Identifiers: MedGen C0025281, MONDO:0007972, OMIM 156000.

Allele frequency attached by ClinVar (database versions not stated): gnomAD exomes 0.00001; ExAC 0.00002; TOPMed 0.00004; gnomAD 0.00005 and 0.00006.
gnomAD v4.1: 10 of 1,613,846 alleles (0.00062%); highest among the groups gnomAD compares: African/African-American, 0.004%; no homozygotes.

Submissions (2):

Labcorp Genetics (formerly Invitae), Labcorp
Classification: Uncertain significance. Last evaluated: 2021-09-02. Review status: criteria provided, single submitter. Criteria: Invitae Variant Classification Sherloc (09022015). Collection method: clinical testing. Allele origin: germline.
Comment: This sequence change replaces leucine with proline at codon 1728 of the MPDZ protein (p.Leu1728Pro). The leucine residue is highly conserved and there is a moderate physicochemical difference between leucine and proline. This variant is present in population databases (rs772792353, ExAC 0.01%). This variant has not been reported in the literature in individuals affected with MPDZ-related conditions. Algorithms developed to predict the effect of missense changes on protein structure and function (SIFT, PolyPhen-2, Align-GVGD) all suggest that this variant is likely to be disruptive. In summary, the available evidence is currently insufficient to determine the role of this variant in disease. Therefore, it has been classified as a Variant of Uncertain Significance.

Center for Computational Biology & Bioinformatics, University of California, San Diego
Classification: Uncertain significance for Meniere disease. Last evaluated: 2024-06-03. Review status: no assertion criteria provided. Collection method: research. Allele origin: germline. Affected: yes. Not counted in ClinVar's aggregate classification.